The following is an entry in ClinVar:

NM_003664.5(AP3B1):c.2577T>C (p.Ser859=)

Gene: AP3B1 (adaptor related protein complex 3 subunit beta 1; minus strand). Cytogenetic location: 5q14.1.
Variant type: single nucleotide variant.
Coding change: c.2577T>C on transcript NM_003664.5 (MANE Select); coding-DNA position 2577, T replaced by C.
Protein change: p.Ser859=; no amino-acid change (serine 859 retained).
Molecular consequence: synonymous variant.
Genome position (GRCh38, 1-based): chr5:78,089,393, A>G on the plus strand (T>C on the coding strand, the complement: AP3B1 is on the minus strand). VCF-style: chr5-78089393-A-G. GRCh37 (hg19) VCF-style: chr5-77385217-A-G.
Other names: c.2430T>C, p.Ser810= (NM_001271769.2).
Identifiers: ClinVar variation 1021158 (VCV001021158.6), dbSNP rs755754414, ClinGen allele CA3316737.

ClinVar aggregate classification (germline): Uncertain significance (1 of 4 stars; one submission).

Conditions:
Hermansky-Pudlak syndrome 2 (HPS2). Also called: Platelet defects and oculocutaneous albinism. Identifiers: Orphanet 183678, Orphanet 79430, MedGen C1842362, MONDO:0011997, OMIM 608233.

Allele frequency attached by ClinVar (database versions not stated): gnomAD exomes below 0.00001 and 0.00002; TOPMed 0.00001; ExAC 0.00002.
gnomAD v4.1: 5 of 1,600,056 alleles (0.00031%); highest among the groups gnomAD compares: Admixed American, 0.0083%; no homozygotes.

Submission:

Labcorp Genetics (formerly Invitae), Labcorp
Classification: Uncertain significance for Hermansky-Pudlak syndrome 2. Last evaluated: 2021-08-12. Review status: criteria provided, single submitter. Criteria: Invitae Variant Classification Sherloc (09022015). Collection method: clinical testing. Allele origin: germline.
Comment: This sequence change affects codon 859 of the AP3B1 mRNA. It is a 'silent' change, meaning that it does not change the encoded amino acid sequence of the AP3B1 protein. It affects a nucleotide within the consensus splice site of the intron. This variant is present in population databases (rs755754414, ExAC 0.02%). This variant has not been reported in the literature in individuals affected with AP3B1-related conditions. Algorithms developed to predict the effect of sequence changes on RNA splicing suggest that this variant is not likely to affect RNA splicing. In summary, the available evidence is currently insufficient to determine the role of this variant in disease. Therefore, it has been classified as a Variant of Uncertain Significance.